The following is an entry in ClinVar:

ClinVar aggregate classification (germline): Uncertain significance (1 of 4 stars; one submission).

Conditions:
Hereditary cancer-predisposing syndrome. Also called: Tumor predisposition; Hereditary neoplastic syndrome; Hereditary Cancer Syndrome; Neoplastic Syndromes, Hereditary. Identifiers: Orphanet 140162, MedGen C0027672, MeSH D009386, MONDO:0015356.

gnomAD v4.1: 1 of 1,549,832 alleles (0.000065%); highest among the groups gnomAD compares: South Asian, 0.0012%; no homozygotes.

Submission:

Ambry Genetics
Classification: Uncertain significance for Hereditary cancer-predisposing syndrome. Last evaluated: 2025-03-28. Review status: criteria provided, single submitter. Criteria: Ambry Variant Classification Scheme 2023. Collection method: clinical testing. Allele origin: germline.
Comment: The p.L950P variant (also known as c.2849T>C), located in coding exon 22 of the POLD1 gene, results from a T to C substitution at nucleotide position 2849. The leucine at codon 950 is replaced by proline, an amino acid with similar properties. This amino acid position is conserved. In addition, the in silico prediction for this alteration is inconclusive. Based on the available evidence, the clinical significance of this variant remains unclear.

NM_002691.4(POLD1):c.2849T>C (p.Leu950Pro)

Gene: POLD1 (DNA polymerase delta 1, catalytic subunit; plus strand). Cytogenetic location: 19q13.33.
Variant type: single nucleotide variant.
Coding change: c.2849T>C on transcript NM_002691.4 (MANE Select); coding-DNA position 2849, T replaced by C.
Protein change: p.Leu950Pro; replaces leucine 950 with proline.
Molecular consequence: missense variant. On other transcripts: non-coding transcript variant (1).
Genome position (GRCh38, 1-based): chr19:50,416,424, T>C. VCF-style: chr19-50416424-T-C. GRCh37 (hg19) VCF-style: chr19-50919681-T-C.
Other names: c.2849T>C, p.Leu950Pro (NM_001256849.1); c.2927T>C, p.Leu976Pro (NM_001308632.1); short protein forms L950P, L976P.
Identifiers: ClinVar variation 3935546 (VCV003935546.1).